The following is an entry in ClinVar:

ClinVar aggregate classification (germline): Uncertain significance (1 of 4 stars; one submission).

Conditions:
Familial thoracic aortic aneurysm and aortic dissection (TAAD). Also called: Thoracic aortic aneurysms and dissections. Identifiers: Orphanet 91387, MedGen C4707243, MONDO:0019625.

Submission:

Ambry Genetics
Classification: Uncertain significance for Familial thoracic aortic aneurysm and aortic dissection. Last evaluated: 2022-06-29. Review status: criteria provided, single submitter. Criteria: Ambry Variant Classification Scheme 2023. Collection method: clinical testing. Allele origin: germline.
Comment: The p.S1628R variant (also known as c.4884T>A), located in coding exon 39 of the FBN1 gene, results from a T to A substitution at nucleotide position 4884. The serine at codon 1628 is replaced by arginine, an amino acid with dissimilar properties, and is located in the cbEGF-like #23 domain. This amino acid position is highly conserved in available vertebrate species. In addition, this alteration is predicted to be deleterious by in silico analysis. Since supporting evidence is limited at this time, the clinical significance of this alteration remains unclear.

NM_000138.5(FBN1):c.4884T>A (p.Ser1628Arg)

Gene: FBN1 (fibrillin 1; minus strand). Cytogenetic location: 15q21.1.
Variant type: single nucleotide variant.
Coding change: c.4884T>A on transcript NM_000138.5 (MANE Select); coding-DNA position 4884, T replaced by A.
Protein change: p.Ser1628Arg; replaces serine 1628 with arginine.
Molecular consequence: missense variant.
Genome position (GRCh38, 1-based): chr15:48,465,626, A>T on the plus strand (T>A on the coding strand, the complement: FBN1 is on the minus strand). VCF-style: chr15-48465626-A-T. GRCh37 (hg19) VCF-style: chr15-48757823-A-T.
Other names: c.4884T>A, p.Ser1628Arg (NM_001406716.1); short protein forms S1628R.
Identifiers: ClinVar variation 1743811 (VCV001743811.2), dbSNP rs2505496974, ClinGen allele CA392351174.